The following is an entry in ClinVar:

NM_000090.4(COL3A1):c.1207A>G (p.Ile403Val)

Gene: COL3A1 (collagen type III alpha 1 chain; plus strand). Cytogenetic location: 2q32.2.
Variant type: single nucleotide variant.
Coding change: c.1207A>G on transcript NM_000090.4 (MANE Select); coding-DNA position 1207, A replaced by G.
Protein change: p.Ile403Val; replaces isoleucine 403 with valine.
Molecular consequence: missense variant.
Genome position (GRCh38, 1-based): chr2:188,994,246, A>G. VCF-style: chr2-188994246-A-G. GRCh37 (hg19) VCF-style: chr2-189858972-A-G.
Other names: short protein forms I403V.
Identifiers: ClinVar variation 927140 (VCV000927140.9), dbSNP rs1372036761, ClinGen allele CA349851354.

ClinVar aggregate classification (germline): Uncertain significance. Review status: criteria provided, multiple submitters, no conflicts (2 of 4 stars). 4 submissions from 4 submitters: Uncertain significance (4). Last evaluated 2026-09-14.

Conditions:
Ehlers-Danlos syndrome, type 4 (EDSVASC). Also called: Ehlers-Danlos syndrome vascular type; Ehlers Danlos syndrome, ecchymotic type; Ehlers Danlos syndrome, arterial type; Ehlers Danlos syndrome, Sack-Barabas type; Ehlers-Danlos Syndrome Type IV. Identifiers: Orphanet 286, MedGen C0268338, MONDO:0017314, OMIM 130050.
Polymicrogyria with or without vascular-type Ehlers-Danlos syndrome. Identifiers: Orphanet 636941, MedGen C5193040, MONDO:0032688, OMIM 618343.
Familial thoracic aortic aneurysm and aortic dissection (TAAD). Also called: Thoracic aortic aneurysms and dissections. Identifiers: Orphanet 91387, MedGen C4707243, MONDO:0019625.

Allele frequency attached by ClinVar (database versions not stated): gnomAD exomes below 0.00001; gnomAD 0.00001; TOPMed 0.00001.
gnomAD v4.1: 8 of 1,614,030 alleles (0.0005%); highest among the groups gnomAD compares: Non-Finnish European, 0.00068%; no homozygotes.

Submissions (4):

Ambry Genetics
Classification: Uncertain significance for Familial thoracic aortic aneurysm and aortic dissection. Last evaluated: 2026-09-14. Review status: criteria provided, single submitter. Criteria: Ambry Variant Classification Scheme 2023. Collection method: clinical testing. Allele origin: germline.
Comment: The p.I403V variant (also known as c.1207A>G), located in coding exon 18 of the COL3A1 gene, results from an A to G substitution at nucleotide position 1207. The isoleucine at codon 403 is replaced by valine, an amino acid with highly similar properties. This amino acid position is conserved. In addition, the in silico prediction for this alteration is inconclusive. Based on the available evidence, the clinical significance of this variant remains unclear.

Color Diagnostics, LLC DBA Color Health
Classification: Uncertain significance for Familial thoracic aortic aneurysm and aortic dissection. Last evaluated: 2024-03-07. Review status: criteria provided, single submitter. Criteria: ACMG Guidelines, 2015. Collection method: clinical testing. Allele origin: germline.
Comment: This missense variant replaces isoleucine with valine at codon 403 of the COL3A1 protein. Computational prediction suggests that this variant may not impact protein structure and function (internally defined REVEL score threshold <= 0.5, PMID: 27666373). To our knowledge, functional studies have not been reported for this variant. This variant has not been reported in individuals affected with cardiovascular disorders in the literature. This variant has not been identified in the general population by the Genome Aggregation Database (gnomAD). The available evidence is insufficient to determine the role of this variant in disease conclusively. Therefore, this variant is classified as a Variant of Uncertain Significance.

Labcorp Genetics (formerly Invitae), Labcorp
Classification: Uncertain significance for Ehlers-Danlos syndrome, type 4. Last evaluated: 2024-01-02. Review status: criteria provided, single submitter. Criteria: Invitae Variant Classification Sherloc (09022015). Collection method: clinical testing. Allele origin: germline.
Comment: This sequence change replaces isoleucine, which is neutral and non-polar, with valine, which is neutral and non-polar, at codon 403 of the COL3A1 protein (p.Ile403Val). This variant is not present in population databases (gnomAD no frequency). This variant has not been reported in the literature in individuals affected with COL3A1-related conditions. ClinVar contains an entry for this variant (Variation ID: 927140). Advanced modeling of protein sequence and biophysical properties (such as structural, functional, and spatial information, amino acid conservation, physicochemical variation, residue mobility, and thermodynamic stability) performed at Invitae indicates that this missense variant is not expected to disrupt COL3A1 protein function with a negative predictive value of 95%. In summary, the available evidence is currently insufficient to determine the role of this variant in disease. Therefore, it has been classified as a Variant of Uncertain Significance.

Fulgent Genetics
Classification: Uncertain significance for Ehlers-Danlos syndrome, type 4; Polymicrogyria with or without vascular-type Ehlers-Danlos syndrome. Last evaluated: 2021-11-03. Review status: criteria provided, single submitter. Criteria: ACMG Guidelines, 2015. Collection method: clinical testing. Allele origin: unknown.